The following is an entry in ClinVar:

NM_001370100.5(ZMYND11):c.1472_1473del (p.Glu491fs)

Genes: ZMYND11 (zinc finger MYND-type containing 11; plus strand), LOC126860802 (BRD4-independent group 4 enhancer GRCh37_chr10:294268-295467; plus strand). Cytogenetic location: 10p15.3.
Variant type: Microsatellite.
Coding change: c.1472_1473del on transcript NM_001370100.5 (MANE Select); coding-DNA positions 1472 to 1473, 2 bases deleted (AG; older notation c.1472_1473delAG).
Protein change: p.Glu491fs; shifts the reading frame from glutamic acid 491.
Molecular consequence: frameshift variant. On other transcripts: non-coding transcript variant (1).
Genome position (GRCh38, 1-based): chr10:248,580-248,581, AG deleted; deleting any 2 consecutive bases within chr10:248,578-248,581 gives the same sequence; the c. name uses the placement nearest the transcript's 3' end. VCF-style (leftmost placement, unchanged base first): chr10-248577-CAG-C. GRCh37 (hg19) VCF-style: chr10-294517-CAG-C.
Other names: c.1470_1471AG[1], p.Glu491Alafs (NM_001161482.1); c.1310_1311del, p.Glu437fs (NM_001202464.3, NM_001202467.1, NM_001370103.2 and 6 more transcripts); c.1217_1218del, p.Glu406fs (NM_001202465.3, NM_001370110.2); c.1307_1308del, p.Glu436fs (NM_001202466.3, NM_001370111.2); c.1472_1473del, p.Glu491fs (NM_001202468.1, NM_001370097.3, NM_001370098.2 and 4 more transcripts); c.1421_1422del, p.Glu474fs (NM_001330057.3, NM_001370112.2); c.1352_1353del, p.Glu451fs (NM_001370118.2); c.1325_1326del, p.Glu442fs (NM_001370119.2); and 9 more; short protein forms E334fs, E372fs, E436fs, E468fs, E490fs, E491fs, E389fs, E406fs.
Identifiers: ClinVar variation 2088605 (VCV002088605.4), dbSNP rs2540045854, ClinGen allele CA2580615422.

ClinVar aggregate classification (germline): Pathogenic (1 of 4 stars; one submission).

Submission:

Labcorp Genetics (formerly Invitae), Labcorp
Classification: Pathogenic. Last evaluated: 2023-01-03. Review status: criteria provided, single submitter. Criteria: Invitae Variant Classification Sherloc (09022015). Collection method: clinical testing. Allele origin: germline.
Comment: This sequence change creates a premature translational stop signal (p.Glu491Alafs*13) in the ZMYND11 gene. It is expected to result in an absent or disrupted protein product. Loss-of-function variants in ZMYND11 are known to be pathogenic (PMID: 25217958). This variant is not present in population databases (gnomAD no frequency). This variant has not been reported in the literature in individuals affected with ZMYND11-related conditions. For these reasons, this variant has been classified as Pathogenic.

Literature cited by the submitters: PubMed 25217958.